The following is an entry in ClinVar:

ClinVar aggregate classification (germline): Pathogenic (1 of 4 stars; one submission).

Conditions:
Charlevoix-Saguenay spastic ataxia (SACS). Also called: SPASTIC ATAXIA 6, AUTOSOMAL RECESSIVE; AUTOSOMAL RECESSIVE SPASTIC ATAXIA OF CHARLEVOIX-SAGUENAY; Spastic ataxia of Charlevoix-Saguenay. Identifiers: Orphanet 98, MedGen C1849140, MONDO:0010041, OMIM 270550.

Submission:

Myriad Genetics, Inc.
Classification: Pathogenic for Charlevoix-Saguenay spastic ataxia. Last evaluated: 2026-04-09. Review status: criteria provided, single submitter. Criteria: Myriad Autosomal Dominant, Autosomal Recessive and X-Linked Classification Criteria (2023). Collection method: clinical testing. Allele origin: unknown.
Comment: NM_014363.4(SACS):c.4849C>T(Q1617*) is a nonsense variant classified as pathogenic in the context of autosomal recessive spastic ataxia of Charlevoix-Saguenay. Q1617* has not been observed in cases with relevant disease. Relevant functional assessments of this variant are not available in the literature. Q1617* has not been observed in referenced population frequency databases. In summary, NM_014363.4(SACS):c.4849C>T(Q1617*) is a nonsense variant in a gene where loss of function is a known mechanism of disease and is predicted to disrupt protein function. Please note: this variant was assessed in the context of healthy population screening.

NM_014363.6(SACS):c.4849C>T (p.Gln1617Ter)

Gene: SACS (sacsin molecular chaperone; minus strand). Cytogenetic location: 13q12.12.
Variant type: single nucleotide variant.
Coding change: c.4849C>T on transcript NM_014363.6 (MANE Select); coding-DNA position 4849, C replaced by T.
Protein change: p.Gln1617Ter; replaces glutamine 1617 with a stop codon.
Molecular consequence: nonsense.
Genome position (GRCh38, 1-based): chr13:23,339,027, G>A on the plus strand (C>T on the coding strand, the complement: SACS is on the minus strand). VCF-style: chr13-23339027-G-A. GRCh37 (hg19) VCF-style: chr13-23913166-G-A.
Other names: c.4408C>T, p.Gln1470Ter (NM_001278055.2); c.4876C>T, p.Gln1626Ter (NM_001437336.1); short protein forms Q1470*, Q1617*, Q1626*.
Identifiers: ClinVar variation 5003578 (VCV005003578.1).
Genomic context (GRCh38, chr13:23,339,027, plus strand): 5'-AAGGTGCTTCTACAGTCAAAGGTAACTGACAGCCAAATACATCTATAAATGGTTTGAACT[G>A]ATTAGGAAATTTTCTAAGTCTTTTCTGTTGTTTACTCCAATTAATTTTGATCCCAGGATT-3'